The following is an entry in ClinVar:

NM_006516.4(SLC2A1):c.1130C>A (p.Ala377Asp)

Gene: SLC2A1 (solute carrier family 2 member 1; minus strand). Cytogenetic location: 1p34.2.
Variant type: single nucleotide variant.
Coding change: c.1130C>A on transcript NM_006516.4 (MANE Select); coding-DNA position 1130, C replaced by A.
Protein change: p.Ala377Asp; replaces alanine 377 with aspartic acid.
Molecular consequence: missense variant.
Genome position (GRCh38, 1-based): chr1:42,927,753, G>T on the plus strand (C>A on the coding strand, the complement: SLC2A1 is on the minus strand). VCF-style: chr1-42927753-G-T. GRCh37 (hg19) VCF-style: chr1-43393424-G-T.
Other names: c.1130C>A (NM_006516.2); short protein forms A377D.
Identifiers: ClinVar variation 1721931 (VCV001721931.7), dbSNP rs2524984796, ClinGen allele CA339954130.

ClinVar aggregate classification (germline): Conflicting classifications of pathogenicity. Review status: criteria provided, conflicting classifications (1 of 4 stars). 7 submissions from 3 submitters: Likely pathogenic (1); Uncertain significance (6). Last evaluated 2025-04-21.

Conditions:
Encephalopathy due to GLUT1 deficiency. Also called: Classic Glucose Transporter Type 1 Deficiency Syndrome; GLUCOSE TRANSPORT DEFECT, BLOOD-BRAIN BARRIER; Glucose transporter protein syndrome; De Vivo disease; GLUT1 deficiency syndrome 1; GLUT1 deficiency syndrome 1, infantile onset, severe. Identifiers: Orphanet 71277, MedGen C4551966, MONDO:0011724, OMIM 606777.
GLUT1 deficiency syndrome 1, autosomal recessive. Identifiers: MedGen C3149117.
Childhood onset GLUT1 deficiency syndrome 2. Also called: Exertion-induced paroxysmal dyskinesia; GLUT1 deficiency syndrome 2; PxMD-SLC2A1; Paroxysmal exercise-induced dystonia; PAROXYSMAL EXERCISE-INDUCED DYSKINESIA WITH OR WITHOUT EPILEPSY AND/OR HEMOLYTIC ANEMIA; PAROXYSMAL EXERTION-INDUCED DYSTONIA WITH OR WITHOUT EPILEPSY AND/OR HEMOLYTIC ANEMIA. Identifiers: Orphanet 98811, MedGen C1842534, MONDO:0012805, OMIM 612126.
Hereditary cryohydrocytosis with reduced stomatin. Also called: GLUT1 DEFICIENCY SYNDROME WITH PSEUDOHYPERKALEMIA AND HEMOLYSIS; Stomatin-deficient cryohydrocytosis with neurologic defects. Identifiers: Orphanet 168577, MedGen C1837206, MONDO:0012143, OMIM 608885.
Dystonia 9 (DYT9). Also called: CHOREOATHETOSIS, KINESIGENIC, WITH EPISODIC ATAXIA AND SPASTICITY. Identifiers: Orphanet 53583, MedGen C1832855, MONDO:0010983, OMIM 601042.
Epilepsy, idiopathic generalized, susceptibility to, 12 (EIG12). Identifiers: MedGen C3553859, MONDO:0013919, OMIM 614847.

Submissions (7):

Labcorp Genetics (formerly Invitae), Labcorp
Classification: Likely pathogenic for GLUT1 deficiency syndrome 1, autosomal recessive. Last evaluated: 2025-04-21. Review status: criteria provided, single submitter. Criteria: Invitae Variant Classification Sherloc (09022015). Collection method: clinical testing. Allele origin: germline.
Comment: This sequence change replaces alanine, which is neutral and non-polar, with aspartic acid, which is acidic and polar, at codon 377 of the SLC2A1 protein (p.Ala377Asp). This variant is not present in population databases (gnomAD no frequency). This variant has not been reported in the literature in individuals affected with SLC2A1-related conditions. ClinVar contains an entry for this variant (Variation ID: 1721931). Invitae Evidence Modeling of protein sequence and biophysical properties (such as structural, functional, and spatial information, amino acid conservation, physicochemical variation, residue mobility, and thermodynamic stability) indicates that this missense variant is expected to disrupt SLC2A1 protein function with a positive predictive value of 95%. This variant disrupts the p.Ala377 amino acid residue in SLC2A1. Other variant(s) that disrupt this residue have been determined to be pathogenic (PMID: 36362347, 38041506). This suggests that this residue is clinically significant, and that variants that disrupt this residue are likely to be disease-causing. In summary, the currently available evidence indicates that the variant is pathogenic, but additional data are needed to prove that conclusively. Therefore, this variant has been classified as Likely Pathogenic.

GeneDx
Classification: Uncertain significance. Last evaluated: 2023-05-08. Review status: criteria provided, single submitter. Criteria: GeneDx Variant Classification Process June 2021. Collection method: clinical testing. Allele origin: germline. Affected: yes.
Comment: Not observed at significant frequency in large population cohorts (gnomAD); In silico analysis supports that this missense variant has a deleterious effect on protein structure/function; Has not been previously published as pathogenic or benign to our knowledge

Genome-Nilou Lab
Classification: Uncertain significance for Epilepsy, idiopathic generalized, susceptibility to, 12. Last evaluated: 2023-04-11. Review status: criteria provided, single submitter. Criteria: ACMG Guidelines, 2015. Collection method: clinical testing. Allele origin: germline. Affected: no.

Genome-Nilou Lab
Classification: Uncertain significance for Dystonia 9. Last evaluated: 2023-04-11. Review status: criteria provided, single submitter. Criteria: ACMG Guidelines, 2015. Collection method: clinical testing. Allele origin: germline. Affected: no.

Genome-Nilou Lab
Classification: Uncertain significance for Encephalopathy due to GLUT1 deficiency. Last evaluated: 2023-04-11. Review status: criteria provided, single submitter. Criteria: ACMG Guidelines, 2015. Collection method: clinical testing. Allele origin: germline. Affected: no.

Genome-Nilou Lab
Classification: Uncertain significance for Childhood onset GLUT1 deficiency syndrome 2. Last evaluated: 2023-04-11. Review status: criteria provided, single submitter. Criteria: ACMG Guidelines, 2015. Collection method: clinical testing. Allele origin: germline. Affected: no.

Genome-Nilou Lab
Classification: Uncertain significance for Hereditary cryohydrocytosis with reduced stomatin. Last evaluated: 2023-04-11. Review status: criteria provided, single submitter. Criteria: ACMG Guidelines, 2015. Collection method: clinical testing. Allele origin: germline. Affected: no.

Literature cited by the submitters: PubMed 36362347 (cited by Labcorp Genetics (formerly Invitae), Labcorp); PubMed 38041506 (cited by Labcorp Genetics (formerly Invitae), Labcorp).